The following is an entry in ClinVar:

NM_025257.3(SLC44A4):c.89+5del

Gene: SLC44A4 (solute carrier family 44 member 4; minus strand). Cytogenetic location: 6p21.33.
Variant type: Deletion.
Coding change: c.89+5del on transcript NM_025257.3 (MANE Select); 5 bases into the intron after coding-DNA position 89, one base deleted (G; older notation c.89+5delG).
Molecular consequence: intron variant.
Genome position (GRCh38, 1-based): chr6:31,877,029, C deleted on the plus strand (G on the coding strand, the reverse complement: SLC44A4 is on the minus strand). VCF-style (leftmost placement, unchanged base first): chr6-31877028-GC-G. GRCh37 (hg19) VCF-style: chr6-31844805-GC-G.
Other names: c.89+5del (NM_001178044.2); c.-140+5del (NM_001178045.2).
Identifiers: ClinVar variation 2058365 (VCV002058365.4), dbSNP rs774065994, ClinGen allele CA3725840.

ClinVar aggregate classification (germline): Uncertain significance (1 of 4 stars; one submission).

Allele frequency attached by ClinVar (database versions not stated): ExAC 0.00005; gnomAD 0.00005; TOPMed 0.00008; gnomAD exomes 0.00024.

Submission:

Labcorp Genetics (formerly Invitae), Labcorp
Classification: Uncertain significance. Last evaluated: 2025-09-30. Review status: criteria provided, single submitter. Criteria: Invitae Variant Classification Sherloc (09022015). Collection method: clinical testing. Allele origin: germline.
Comment: This sequence change falls in intron 2 of the SLC44A4 gene. It does not directly change the encoded amino acid sequence of the SLC44A4 protein. It affects a nucleotide within the consensus splice site. This variant is present in population databases (rs774065994, gnomAD 0.02%). This variant has not been reported in the literature in individuals affected with SLC44A4-related conditions. ClinVar contains an entry for this variant (Variation ID: 2058365). Variants that disrupt the consensus splice site are a relatively common cause of aberrant splicing (PMID: 17576681, 9536098). Algorithms developed to predict the effect of sequence changes on RNA splicing suggest that this variant is not likely to affect RNA splicing. In summary, the available evidence is currently insufficient to determine the role of this variant in disease. Therefore, it has been classified as a Variant of Uncertain Significance.

Literature cited by the submitters: PubMed 17576681; PubMed 9536098.